The following is an entry in ClinVar:

ClinVar aggregate classification (germline): Uncertain significance (1 of 4 stars; one submission).

Conditions:
Hereditary cancer-predisposing syndrome. Also called: Neoplastic Syndromes, Hereditary; Tumor predisposition; Hereditary Cancer Syndrome; Hereditary neoplastic syndrome. Identifiers: Orphanet 140162, MedGen C0027672, MeSH D009386, MONDO:0015356.

Submission:

Ambry Genetics
Classification: Uncertain significance for Hereditary cancer-predisposing syndrome. Last evaluated: 2022-05-01. Review status: criteria provided, single submitter. Criteria: Ambry Variant Classification Scheme 2023. Collection method: clinical testing. Allele origin: germline.
Comment: The p.I261M variant (also known as c.783C>G), located in coding exon 8 of the NF2 gene, results from a C to G substitution at nucleotide position 783. The isoleucine at codon 261 is replaced by methionine, an amino acid with highly similar properties. This amino acid position is conserved. In addition, this alteration is predicted to be deleterious by in silico analysis. Since supporting evidence is limited at this time, the clinical significance of this alteration remains unclear.

NM_000268.4(NF2):c.783C>G (p.Ile261Met)

Gene: NF2 (NF2, moesin-ezrin-radixin like (MERLIN) tumor suppressor; plus strand). Cytogenetic location: 22q12.2.
Variant type: single nucleotide variant.
Coding change: c.783C>G on transcript NM_000268.4 (MANE Select); coding-DNA position 783, C replaced by G.
Protein change: p.Ile261Met; replaces isoleucine 261 with methionine.
Molecular consequence: missense variant. On other transcripts: non-coding transcript variant (1), intron variant (1).
Genome position (GRCh38, 1-based): chr22:29,661,312, C>G. VCF-style: chr22-29661312-C-G. GRCh37 (hg19) VCF-style: chr22-30057301-C-G.
Other names: c.669C>G, p.Ile223Met (NM_001407053.1, NM_001407056.1); c.660C>G, p.Ile220Met (NM_001407054.1, NM_001407058.1, NM_181829.3); c.657C>G, p.Ile219Met (NM_001407055.1, NM_181828.3); c.783C>G, p.Ile261Met (NM_001407060.1, NM_001407066.1, NM_016418.5 and 2 more transcripts); c.534C>G, p.Ile178Met (NM_001407063.1, NM_001407064.1, NM_181830.3 and 1 more transcripts); c.249C>G, p.Ile83Met (NM_001407065.1); c.552C>G, p.Ile184Met (NM_001407067.1); c.447+19027C>G (NM_181833.3); short protein forms I178M, I223M, I220M, I83M, I184M, I219M, I261M.
Identifiers: ClinVar variation 1760842 (VCV001760842.2), dbSNP rs765223726, ClinGen allele CA411144084.